The following is an entry in ClinVar:

NM_001110556.2(FLNA):c.6776T>C (p.Phe2259Ser)

Gene: FLNA (filamin A; minus strand). Cytogenetic location: Xq28.
Variant type: single nucleotide variant.
Coding change: c.6776T>C on transcript NM_001110556.2 (MANE Select); coding-DNA position 6776, T replaced by C.
Protein change: p.Phe2259Ser; replaces phenylalanine 2259 with serine.
Molecular consequence: missense variant.
Genome position (GRCh38, 1-based): chrX:154,352,015, A>G on the plus strand (T>C on the coding strand, the complement: FLNA is on the minus strand). VCF-style: chrX-154352015-A-G. GRCh37 (hg19) VCF-style: chrX-153580383-A-G.
Other names: p.Phe2251Ser; c.6752T>C, p.Phe2251Ser (NM_001456.4); short protein forms F2259S, F2251S.
Identifiers: ClinVar variation 577159 (VCV000577159.15), dbSNP rs1276647740, ClinGen allele CA415187092.

ClinVar aggregate classification (germline): Uncertain significance. Review status: criteria provided, multiple submitters, no conflicts (2 of 4 stars). 6 submissions from 6 submitters: Uncertain significance (6). Last evaluated 2026-01-27.

Conditions:
Macrothrombocytopenia. Identifiers: MedGen C2751260, HP:0040185.
Frontometaphyseal dysplasia (FMD1). Identifiers: Orphanet 1826, MedGen C0265293, MONDO:0015942.
Heterotopia, periventricular, X-linked dominant (PVNH1). Also called: PERIVENTRICULAR NODULAR HETEROTOPIA 1; PERIVENTRICULAR NODULAR HETEROTOPIA 4; HETEROTOPIA, PERIVENTRICULAR, 1; X-linked periventricular heterotopia. Identifiers: Orphanet 2149, Orphanet 82004, MedGen C1848213, MONDO:0010233, OMIM 300049.
Melnick-Needles syndrome (MNS). Also called: Melnick-Needles Syndrome (FLNA-MNS); OSTEODYSPLASTY OF MELNICK AND NEEDLES; MELNICK-NEEDLES OSTEODYSPLASTY. Identifiers: Orphanet 2484, MedGen C0025237, MONDO:0010650, OMIM 309350.
Oto-palato-digital syndrome, type II (OPD2). Also called: Otopalatodigital Syndrome Type 2 (FLNA-OPD2); FACIOPALATOOSSEOUS SYNDROME; OPD II SYNDROME; Otopalatodigital Syndrome, Type II. Identifiers: Orphanet 669, Orphanet 90652, MedGen C1844696, MONDO:0010571, OMIM 304120.
FLNA-related disorder.
Familial thoracic aortic aneurysm and aortic dissection (TAAD). Also called: Thoracic aortic aneurysms and dissections. Identifiers: Orphanet 91387, MedGen C4707243, MONDO:0019625.

Allele frequency attached by ClinVar (database versions not stated): gnomAD exomes below 0.00001 and 0.00001.
gnomAD v4.1: 4 of 1,211,439 alleles (0.00033%); highest among the groups gnomAD compares: Non-Finnish European, 0.00045%; no homozygotes.

Submissions (6):

PreventionGenetics, part of Exact Sciences
Classification: Uncertain significance for FLNA-related condition. Last evaluated: 2026-01-27. Review status: criteria provided, single submitter. Criteria: ACMG Guidelines, 2015. Collection method: clinical testing. Allele origin: germline.
Comment: The FLNA c.6776T>C variant is predicted to result in the amino acid substitution p.Phe2259Ser. This variant has been reported in the hemizygous state in two individuals with platelet count disorders (Table S3 - Downes et al. 2019. PubMed ID: 31064749). This variant is reported in 0.0012% of alleles in individuals of European (Non-Finnish) descent in gnomAD. At this time, the clinical significance of this variant is uncertain due to the absence of conclusive functional and genetic evidence.

Labcorp Genetics (formerly Invitae), Labcorp
Classification: Uncertain significance for Oto-palato-digital syndrome, type II; Heterotopia, periventricular, X-linked dominant; Frontometaphyseal dysplasia; Melnick-Needles syndrome. Last evaluated: 2025-12-08. Review status: criteria provided, single submitter. Criteria: Invitae Variant Classification Sherloc (09022015). Collection method: clinical testing. Allele origin: germline.
Comment: This sequence change replaces phenylalanine, which is neutral and non-polar, with serine, which is neutral and polar, at codon 2251 of the FLNA protein (p.Phe2251Ser). This variant is present in population databases (no rsID available, gnomAD 0.001%). This variant has not been reported in the literature in individuals affected with FLNA-related conditions. ClinVar contains an entry for this variant (Variation ID: 577159). Invitae Evidence Modeling of protein sequence and biophysical properties (such as structural, functional, and spatial information, amino acid conservation, physicochemical variation, residue mobility, and thermodynamic stability) has been performed for this missense variant. However, the output from this modeling did not meet the statistical confidence thresholds required to predict the impact of this variant on FLNA protein function. In summary, the available evidence is currently insufficient to determine the role of this variant in disease. Therefore, it has been classified as a Variant of Uncertain Significance.

Mayo Clinic Laboratories, Mayo Clinic
Classification: Uncertain significance. Last evaluated: 2025-09-26. Review status: criteria provided, single submitter. Criteria: ACMG Guidelines, 2015. Collection method: clinical testing. Allele origin: germline. Observed: 3 variant alleles.
Comment: PP2, PP3_strong, PM2_supporting

Ambry Genetics
Classification: Uncertain significance for Familial thoracic aortic aneurysm and aortic dissection. Last evaluated: 2025-09-17. Review status: criteria provided, single submitter. Criteria: Ambry Variant Classification Scheme 2023. Collection method: clinical testing. Allele origin: germline.
Comment: The p.F2251S variant (also known as c.6752T>C), located in coding exon 40 of the FLNA gene, results from a T to C substitution at nucleotide position 6752. The phenylalanine at codon 2251 is replaced by serine, an amino acid with highly dissimilar properties. This amino acid position is highly conserved in available vertebrate species. In addition, this alteration is predicted to be deleterious by in silico analysis. Based on data from gnomAD, the C allele has an overall frequency of 0.0006% (1/181365) total alleles studied, with no hemizygote(s) observed. The highest observed frequency was XX% 0.0012% (1/81213) of European (non-Finnish) alleles. Based on the available evidence, the clinical significance of this variant remains unclear.

Blueprint Genetics
Classification: Uncertain significance. Last evaluated: 2022-05-05. Review status: criteria provided, single submitter. Criteria: ACMG Guidelines, 2015. Collection method: clinical testing. Allele origin: germline.

NIHR Bioresource Rare Diseases, University of Cambridge
Classification: Uncertain significance for Macrothrombocytopenia. Last evaluated: 2019-02-01. Review status: criteria provided, single submitter. Criteria: ACMG Guidelines, 2015. Collection method: research. Allele origin: unknown. Affected: yes. Observed: 2 hemizygotes. Study: ThromboGenomics.

Literature cited by the submitters: PubMed 31064749 (cited by Mayo Clinic Laboratories, Mayo Clinic and NIHR Bioresource Rare Diseases, University of Cambridge).